The following is an entry in ClinVar:

ClinVar aggregate classification (germline): Likely benign (1 of 4 stars; one submission).

Submission:

CeGaT Center for Human Genetics Tuebingen
Classification: Likely benign. Last evaluated: 2025-11-01. Review status: criteria provided, single submitter. Criteria: CeGaT Center For Human Genetics Tuebingen Variant Classification Criteria Version 2. Collection method: clinical testing. Allele origin: germline. Affected: yes. Observed: 1 variant allele.
Comment: SLC26A1: PM2:Supporting, BP4, BP7

NM_022042.4(SLC26A1):c.1287G>T (p.Ala429=)

Genes: IDUA (alpha-L-iduronidase; plus strand), SLC26A1 (solute carrier family 26 member 1; minus strand). Cytogenetic location: 4p16.3.
Variant type: single nucleotide variant.
Coding change: c.1287G>T on transcript NM_022042.4 (MANE Select); coding-DNA position 1287, G replaced by T.
Protein change: p.Ala429=; no amino-acid change (alanine 429 retained).
Molecular consequence: synonymous variant. On other transcripts: intron variant (2).
Genome position (GRCh38, 1-based): chr4:989,652, C>A on the plus strand (G>T on the coding strand, the complement: SLC26A1 is on the minus strand). VCF-style: chr4-989652-C-A. GRCh37 (hg19) VCF-style: chr4-983440-C-A.
Other names: c.1287G>T, p.Ala429= (NM_213613.4); c.576+1476G>T (NM_134425.4); c.299+1703C>A (NM_000203.5).
Identifiers: ClinVar variation 4535160 (VCV004535160.6).